The following is an entry in ClinVar:

ClinVar aggregate classification (germline): Uncertain significance (1 of 4 stars; one submission).

gnomAD v4.1: 2 of 1,614,128 alleles (0.00012%); highest among the groups gnomAD compares: African/African-American, 0.0027%; no homozygotes.

Submission:

Labcorp Genetics (formerly Invitae), Labcorp
Classification: Uncertain significance. Last evaluated: 2025-06-17. Review status: criteria provided, single submitter. Criteria: Invitae Variant Classification Sherloc (09022015). Collection method: clinical testing. Allele origin: germline.
Comment: This sequence change replaces isoleucine, which is neutral and non-polar, with serine, which is neutral and polar, at codon 447 of the NSD1 protein (p.Ile447Ser). This variant is not present in population databases (gnomAD no frequency). This variant has not been reported in the literature in individuals affected with NSD1-related conditions. Invitae Evidence Modeling of protein sequence and biophysical properties (such as structural, functional, and spatial information, amino acid conservation, physicochemical variation, residue mobility, and thermodynamic stability) indicates that this missense variant is not expected to disrupt NSD1 protein function with a negative predictive value of 95%. In summary, the available evidence is currently insufficient to determine the role of this variant in disease. Therefore, it has been classified as a Variant of Uncertain Significance.

NM_022455.5(NSD1):c.1340T>G (p.Ile447Ser)

Gene: NSD1 (nuclear receptor binding SET domain protein 1; plus strand). Cytogenetic location: 5q35.3.
Variant type: single nucleotide variant.
Coding change: c.1340T>G on transcript NM_022455.5 (MANE Select); coding-DNA position 1340, T replaced by G.
Protein change: p.Ile447Ser; replaces isoleucine 447 with serine.
Molecular consequence: missense variant.
Genome position (GRCh38, 1-based): chr5:177,209,739, T>G. VCF-style: chr5-177209739-T-G. GRCh37 (hg19) VCF-style: chr5-176636740-T-G.
Other names: c.467T>G, p.Ile156Ser (NM_001365684.2, NM_001409306.1, NM_001409307.1 and 3 more transcripts); c.1340T>G, p.Ile447Ser (NM_001409301.1, NM_001409302.1, NM_001409303.1); c.920T>G, p.Ile307Ser (NM_001409304.1); c.587T>G, p.Ile196Ser (NM_001409305.1); short protein forms I156S, I196S, I307S, I447S.
Identifiers: ClinVar variation 4741609 (VCV004741609.1).
Genomic context (GRCh38, chr5:177,209,739, plus strand): 5'-TTGCAGAACAGTATGATGTTCCCAAGGGGTCAAAGAACCGAAAATGTATTCCTGGTTCAA[T>G]CAAGTTGGACAGTGAAGAAGATATGCCATTTGAAGACTGCACAAATGATCCTGAGTCAGA-3'
Protein context (NP_071900.2, residues 437-457): SKNRKCIPGS[Ile447Ser]KLDSEEDMPF